The following is an entry in ClinVar:

NM_000264.5(PTCH1):c.1226dup (p.Ser410fs)

Gene: PTCH1 (patched 1; minus strand). Cytogenetic location: 9q22.32.
Variant type: Duplication.
Coding change: c.1226dup on transcript NM_000264.5 (MANE Select); coding-DNA position 1226, one base duplicated (A; older notation c.1226dupA).
Protein change: p.Ser410fs; shifts the reading frame from serine 410.
Molecular consequence: frameshift variant. On other transcripts: non-coding transcript variant (1).
Genome position (GRCh38, 1-based): chr9:95,478,176, T duplicated on the plus strand (A on the coding strand, the reverse complement: PTCH1 is on the minus strand). VCF-style (leftmost placement, unchanged base first): chr9-95478175-C-CT. GRCh37 (hg19) VCF-style: chr9-98240457-C-CT.
Other names: p.Ser410GluTer27; c.1028dup, p.Ser344fs (NM_001083602.3); c.1223dup, p.Ser409fs (NM_001083603.3); c.773dup, p.Ser259fs (NM_001083604.3, NM_001083605.3, NM_001083606.3 and 1 more transcripts); c.1226dup, p.Ser410fs (NM_001354918.2); short protein forms S259fs, S344fs, S409fs, S410fs.
Identifiers: ClinVar variation 1693581 (VCV001693581.2), dbSNP rs2538211745, ClinGen allele CA2580080855.

ClinVar aggregate classification (germline): Likely pathogenic (0 of 4 stars; one submission).

Conditions:
Gorlin syndrome. Also called: Nevoid Basal Cell Carcinoma Syndrome; Basal cell nevus syndrome. Identifiers: Orphanet 377, MedGen C0004779, MONDO:0007187.

Submission:

Hacettepe Pediatric Genetics Laboratory, Hacettepe University
Classification: Likely pathogenic for Basal cell nevus syndrome 1. Last evaluated: 2022-07-07. Review status: no assertion criteria provided. Collection method: clinical testing. Allele origin: germline. Inheritance: Autosomal dominant inheritance. Affected: yes. Observed: 4 variant alleles, 4 heterozygotes. Clinical features observed: Odontogenic keratocysts of the jaw (HP:0010603), Macrocephaly (HP:0000256), Calcification of falx cerebri (HP:0005462), Abnormal rib morphology (HP:0000772), Palmar pits (HP:0010610).
Comment: This variant was neither found in ExAC nor 1000G. This change was classified as “ likely pathogenic” according to the ACMG guidelines and predicted to be disease causing by in silico analysis such as MutationTaster.